The following is an entry in ClinVar:

ClinVar aggregate classification (germline): Uncertain significance. Review status: criteria provided, multiple submitters, no conflicts (2 of 4 stars). 3 submissions from 3 submitters: Uncertain significance (2). 1 of the submissions does not count toward it. Last evaluated 2022-04-08.

Conditions:
Merosin deficient congenital muscular dystrophy (MDC1A). Also called: Congenital Muscular Dystrophy Type 1A (MDC1A); Congenital merosin-deficient muscular dystrophy 1A. Identifiers: Orphanet 258, MedGen C1263858, MONDO:0011925, OMIM 607855.
Muscular dystrophy, limb-girdle, autosomal recessive 23. Identifiers: Orphanet 565837, MedGen C4748327, MONDO:0029136, OMIM 618138.
LAMA2-related muscular dystrophy (LAMA2-RD). Also called: Laminin alpha 2-related dystrophy. Identifiers: MedGen C5679788, MONDO:0100228.

Submissions (3):

Labcorp Genetics (formerly Invitae), Labcorp
Classification: Uncertain significance for LAMA2-related muscular dystrophy. Last evaluated: 2022-04-08. Review status: criteria provided, single submitter. Criteria: Invitae Variant Classification Sherloc (09022015). Collection method: clinical testing. Allele origin: germline.
Comment: This variant, c.1793_1795del, results in the deletion of 1 amino acid(s) of the LAMA2 protein (p.Val598del), but otherwise preserves the integrity of the reading frame. This variant is present in population databases (no rsID available, gnomAD 0.0009%). This variant has been observed in individual(s) with LAMA2-related conditions (PMID: 11938437, 25214167). This variant is also known as Del1841-1843. ClinVar contains an entry for this variant (Variation ID: 551956). Experimental studies and prediction algorithms are not available or were not evaluated, and the functional significance of this variant is currently unknown. In summary, the available evidence is currently insufficient to determine the role of this variant in disease. Therefore, it has been classified as a Variant of Uncertain Significance.

Fulgent Genetics
Classification: Uncertain significance for Merosin deficient congenital muscular dystrophy; Muscular dystrophy, limb-girdle, autosomal recessive 23. Last evaluated: 2022-02-11. Review status: criteria provided, single submitter. Criteria: ACMG Guidelines, 2015. Collection method: clinical testing. Allele origin: unknown.

Counsyl
Classification: Uncertain significance for Merosin deficient congenital muscular dystrophy. Last evaluated: 2017-05-18. Review status: no assertion criteria provided. Collection method: clinical testing. Allele origin: unknown. Not counted in ClinVar's aggregate classification.

Literature cited by the submitters: PubMed 11938437 (cited by Labcorp Genetics (formerly Invitae), Labcorp and Counsyl); PubMed 25214167 (cited by Labcorp Genetics (formerly Invitae), Labcorp and Counsyl).

NM_000426.4(LAMA2):c.1793_1795del (p.Val598del)

Gene: LAMA2 (laminin subunit alpha 2; plus strand). Cytogenetic location: 6q22.33.
Variant type: Deletion.
Coding change: c.1793_1795del on transcript NM_000426.4 (MANE Select); coding-DNA positions 1793 to 1795, 3 bases deleted (TAG; older notation c.1793_1795delTAG).
Protein change: p.Val598del; deletes valine 598.
Molecular consequence: inframe deletion.
Genome position (GRCh38, 1-based): chr6:129,250,122-129,250,124, TAG deleted; deleting any 3 consecutive bases within chr6:129,250,120-129,250,124 gives the same sequence; the c. name uses the placement nearest the transcript's 3' end. VCF-style (leftmost placement, unchanged base first): chr6-129250119-CAGT-C. GRCh37 (hg19) VCF-style: chr6-129571264-CAGT-C.
Other names: c.1793_1795del, p.Val598del (NM_001079823.2); c.1793_1795delTAG (NM_000426.3); short protein forms V598del.
Identifiers: ClinVar variation 551956 (VCV000551956.6), dbSNP rs1165542235, ClinGen allele CA570053408.